The following is an entry in ClinVar:

NM_004329.3(BMPR1A):c.818G>T (p.Arg273Leu)

Gene: BMPR1A (bone morphogenetic protein receptor type 1A; plus strand). Cytogenetic location: 10q23.2.
Variant type: single nucleotide variant.
Coding change: c.818G>T on transcript NM_004329.3 (MANE Select); coding-DNA position 818, G replaced by T.
Protein change: p.Arg273Leu; replaces arginine 273 with leucine.
Molecular consequence: missense variant.
Genome position (GRCh38, 1-based): chr10:86,917,276, G>T. VCF-style: chr10-86917276-G-T. GRCh37 (hg19) VCF-style: chr10-88677033-G-T.
Other names: c.818G>T (NM_004329.2); short protein forms R273L.
Identifiers: ClinVar variation 1480538 (VCV001480538.10), dbSNP rs762178061, ClinGen allele CA377458422.
Genomic context (GRCh38, chr10:86,917,276, plus strand): 5'-GGCGTGGCGAAAAAGTGGCGGTGAAAGTATTCTTTACCACTGAAGAAGCCAGCTGGTTTC[G>T]AGAAACAGAAATCTACCAAACTGTGCTAATGCGCCATGAAAACATACTTGGTGGGTACAC-3'
Protein context (NP_004320.2, residues 263-283): FFTTEEASWF[Arg273Leu]ETEIYQTVLM

ClinVar aggregate classification (germline): Uncertain significance. Review status: criteria provided, multiple submitters, no conflicts (2 of 4 stars). 2 submissions from 2 submitters: Uncertain significance (2). Last evaluated 2023-02-04.

Conditions:
Juvenile polyposis syndrome (JPS). Identifiers: Orphanet 2929, MedGen C0345893, MONDO:0017380, OMIM 174900.
Hereditary cancer-predisposing syndrome. Also called: Hereditary neoplastic syndrome; Tumor predisposition; Neoplastic Syndromes, Hereditary; Hereditary Cancer Syndrome. Identifiers: Orphanet 140162, MedGen C0027672, MeSH D009386, MONDO:0015356.

Submissions (2):

Ambry Genetics
Classification: Uncertain significance for Hereditary cancer-predisposing syndrome. Last evaluated: 2023-02-04. Review status: criteria provided, single submitter. Criteria: Ambry Variant Classification Scheme 2023. Collection method: clinical testing. Allele origin: germline.
Comment: The p.R273L variant (also known as c.818G>T), located in coding exon 7 of the BMPR1A gene, results from a G to T substitution at nucleotide position 818. The arginine at codon 273 is replaced by leucine, an amino acid with dissimilar properties. This amino acid position is conserved. In addition, this alteration is predicted to be deleterious by in silico analysis. Since supporting evidence is limited at this time, the clinical significance of this alteration remains unclear.

Labcorp Genetics (formerly Invitae), Labcorp
Classification: Uncertain significance for Juvenile polyposis syndrome. Last evaluated: 2021-02-15. Review status: criteria provided, single submitter. Criteria: Invitae Variant Classification Sherloc (09022015). Collection method: clinical testing. Allele origin: germline.
Comment: This variant has not been reported in the literature in individuals with BMPR1A-related conditions. This variant is not present in population databases (ExAC no frequency). This sequence change replaces arginine with leucine at codon 273 of the BMPR1A protein (p.Arg273Leu). The arginine residue is highly conserved and there is a moderate physicochemical difference between arginine and leucine. Advanced modeling of protein sequence and biophysical properties (such as structural, functional, and spatial information, amino acid conservation, physicochemical variation, residue mobility, and thermodynamic stability) performed at Invitae indicates that this missense variant is expected to disrupt BMPR1A protein function. In summary, the available evidence is currently insufficient to determine the role of this variant in disease. Therefore, it has been classified as a Variant of Uncertain Significance.